The following is an entry in ClinVar:

ClinVar aggregate classification (germline): Uncertain significance. Review status: criteria provided, multiple submitters, no conflicts (2 of 4 stars). 2 submissions from 2 submitters: Uncertain significance (2). Last evaluated 2025-07-21.

Conditions:
Hereditary cancer-predisposing syndrome. Also called: Neoplastic Syndromes, Hereditary; Hereditary Cancer Syndrome; Tumor predisposition; Hereditary neoplastic syndrome. Identifiers: Orphanet 140162, MedGen C0027672, MeSH D009386, MONDO:0015356.
Multiple endocrine neoplasia, type 2 (MEN2). Identifiers: Orphanet 653, MedGen C4048306, MONDO:0019003. Disease mechanism: gain of function.

Allele frequency attached by ClinVar (database versions not stated): gnomAD exomes below 0.00001; TOPMed below 0.00001.
gnomAD v4.1: 3 of 1,614,224 alleles (0.00019%); highest among the groups gnomAD compares: East Asian, 0.0045%; no homozygotes.

Submissions (2):

Labcorp Genetics (formerly Invitae), Labcorp
Classification: Uncertain significance for Multiple endocrine neoplasia, type 2. Last evaluated: 2025-07-21. Review status: criteria provided, single submitter. Criteria: Invitae Variant Classification Sherloc (09022015). Collection method: clinical testing. Allele origin: germline.
Comment: This sequence change replaces lysine, which is basic and polar, with glutamic acid, which is acidic and polar, at codon 994 of the RET protein (p.Lys994Glu). This variant is present in population databases (no rsID available, gnomAD 0.006%). This variant has not been reported in the literature in individuals affected with RET-related conditions. ClinVar contains an entry for this variant (Variation ID: 971678). An algorithm developed to predict the effect of missense changes on protein structure and function (PolyPhen-2) suggests that this variant is likely to be disruptive. In summary, the available evidence is currently insufficient to determine the role of this variant in disease. Therefore, it has been classified as a Variant of Uncertain Significance.

Ambry Genetics
Classification: Uncertain significance for Hereditary cancer-predisposing syndrome. Last evaluated: 2024-09-05. Review status: criteria provided, single submitter. Criteria: Ambry Variant Classification Scheme 2023. Collection method: clinical testing. Allele origin: germline.
Comment: The p.K994E variant (also known as c.2980A>G), located in coding exon 18 of the RET gene, results from an A to G substitution at nucleotide position 2980. The lysine at codon 994 is replaced by glutamic acid, an amino acid with similar properties. This amino acid position is conserved. In addition, this alteration is predicted to be deleterious by in silico analysis. Since supporting evidence is limited at this time, the clinical significance of this alteration remains unclear.

NM_020975.6(RET):c.2980A>G (p.Lys994Glu)

Gene: RET (ret proto-oncogene; plus strand). Cytogenetic location: 10q11.21.
Variant type: single nucleotide variant.
Coding change: c.2980A>G on transcript NM_020975.6 (MANE Select); coding-DNA position 2980, A replaced by G.
Protein change: p.Lys994Glu; replaces lysine 994 with glutamic acid.
Molecular consequence: missense variant.
Genome position (GRCh38, 1-based): chr10:43,124,923, A>G. VCF-style: chr10-43124923-A-G. GRCh37 (hg19) VCF-style: chr10-43620371-A-G.
Other names: c.2980A>G, p.Lys994Glu (NM_000323.2, NM_001406743.1, NM_001406744.1 and 4 more transcripts); c.2218A>G, p.Lys740Glu (NM_001355216.2); c.2851A>G, p.Lys951Glu (NM_001406761.1, NM_001406762.1, NM_001406764.1); c.2845A>G, p.Lys949Glu (NM_001406763.1, NM_001406765.1); c.2692A>G, p.Lys898Glu (NM_001406766.1, NM_001406767.1, NM_001406770.1); c.2716A>G, p.Lys906Glu (NM_001406768.1); c.2584A>G, p.Lys862Glu (NM_001406769.1, NM_001406772.1); c.2542A>G, p.Lys848Glu (NM_001406771.1, NM_001406773.1); and 10 more; short protein forms K994E, K740E, K695E, K819E, K559E, K599E, K655E, K862E.
Identifiers: ClinVar variation 971678 (VCV000971678.14), dbSNP rs1490223704, ClinGen allele CA376558117.